The following is an entry in ClinVar:

NM_005609.4(PYGM):c.2203C>T (p.Arg735Cys)

Gene: PYGM (glycogen phosphorylase, muscle associated; minus strand). Cytogenetic location: 11q13.1.
Variant type: single nucleotide variant.
Coding change: c.2203C>T on transcript NM_005609.4 (MANE Select); coding-DNA position 2203, C replaced by T.
Protein change: p.Arg735Cys; replaces arginine 735 with cysteine.
Molecular consequence: missense variant.
Genome position (GRCh38, 1-based): chr11:64,747,333, G>A on the plus strand (C>T on the coding strand, the complement: PYGM is on the minus strand). VCF-style: chr11-64747333-G-A. GRCh37 (hg19) VCF-style: chr11-64514805-G-A.
Other names: c.1939C>T, p.Arg647Cys (NM_001164716.1); short protein forms R647C, R735C.
Identifiers: ClinVar variation 1301679 (VCV001301679.6), dbSNP rs559363120, ClinGen allele CA6079601.

ClinVar aggregate classification (germline): Uncertain significance. Review status: criteria provided, multiple submitters, no conflicts (2 of 4 stars). 3 submissions from 3 submitters: Uncertain significance (3). Last evaluated 2024-12-20.

Conditions:
Glycogen storage disease, type V (GSD5). Also called: McArdle type glycogen storage disease; MCARDLE DISEASE; MUSCLE GLYCOGEN PHOSPHORYLASE DEFICIENCY; MYOPHOSPHORYLASE DEFICIENCY; PYGM DEFICIENCY. Identifiers: Orphanet 368, MedGen C0017924, MONDO:0009293, OMIM 232600.

Allele frequency attached by ClinVar (database versions not stated): gnomAD 0.00003; TOPMed 0.00004; gnomAD exomes 0.00007 and 0.00013; ExAC 0.00012; 1000 Genomes Project 30x 0.00016; 1000 Genomes Project 0.00020.

Submissions (3):

Revvity Omics, Revvity
Classification: Uncertain significance for Glycogen storage disease, type V. Last evaluated: 2024-12-20. Review status: criteria provided, single submitter. Criteria: ACMG Guidelines, 2015. Collection method: clinical testing. Allele origin: germline.

Labcorp Genetics (formerly Invitae), Labcorp
Classification: Uncertain significance for Glycogen storage disease, type V. Last evaluated: 2022-07-02. Review status: criteria provided, single submitter. Criteria: Invitae Variant Classification Sherloc (09022015). Collection method: clinical testing. Allele origin: germline.
Comment: This sequence change replaces arginine, which is basic and polar, with cysteine, which is neutral and slightly polar, at codon 735 of the PYGM protein (p.Arg735Cys). This variant is present in population databases (rs559363120, gnomAD 0.1%). This variant has not been reported in the literature in individuals affected with PYGM-related conditions. ClinVar contains an entry for this variant (Variation ID: 1301679). Algorithms developed to predict the effect of missense changes on protein structure and function are either unavailable or do not agree on the potential impact of this missense change (SIFT: "Not Available"; PolyPhen-2: "Probably Damaging"; Align-GVGD: "Not Available"). In summary, the available evidence is currently insufficient to determine the role of this variant in disease. Therefore, it has been classified as a Variant of Uncertain Significance.

Dubai Health Genomic Medicine Center, Dubai Health
Classification: Uncertain significance for Glycogen storage disease, type V. Last evaluated: 2020-01-06. Review status: criteria provided, single submitter. Criteria: ACMG Guidelines, 2015. Collection method: clinical testing. Allele origin: germline. Affected: yes.
Comment: The p.Arg735Cys missense variant in PYGM has not been previously reported in affected individuals but was observed in 31/30616 (0.101% 0 homozygotes) South Asian alleles in the Genome Aggregation Database (gnomAD). This relatively high allele frequency might still be consistent with autosomal recessive disease. Conservation analysis and computational prediction tools do not provide evidence for or against pathogenicity. In summary more information is needed to determine the clinical significance of this variant.